The following is an entry in ClinVar:

ClinVar aggregate classification (germline): Conflicting classifications of pathogenicity. Review status: criteria provided, conflicting classifications (1 of 4 stars). 11 submissions from 11 submitters: Uncertain significance (7); Likely benign (4). Last evaluated 2025-12-08.

Conditions:
Cardiovascular phenotype. Identifiers: MedGen CN230736.
Familial isolated arrhythmogenic right ventricular dysplasia. Identifiers: Orphanet 217656, MedGen C4274968, MONDO:0016342.
Cardiomyopathy (CMYO). Also called: Cardiomyopathies. Identifiers: Orphanet 167848, MedGen C0878544, MONDO:0004994, HP:0001638. Inheritance: Various modes of inheritance.
Arrhythmogenic right ventricular dysplasia 11. Also called: Arrhythmogenic right ventricular dysplasia 11 with mild palmoplantar keratoderma and woolly hair; Arrhythmogenic Right Ventricular Dysplasia/Cardiomyopathy11; ARRHYTHMOGENIC RIGHT VENTRICULAR DYSPLASIA, FAMILIAL, 11. Identifiers: MedGen C1864850, MONDO:0012506, OMIM 610476.

Allele frequency attached by ClinVar (database versions not stated): gnomAD 0.00001 and 0.00002; ExAC 0.00002; gnomAD exomes 0.00004; TOPMed 0.00005; ESP Exome Variant Server 0.00015.
gnomAD v4.1: 63 of 1,612,984 alleles (0.0039%); highest among the groups gnomAD compares: Middle Eastern, 0.15%; 1 homozygote.

Submissions (11):

Labcorp Genetics (formerly Invitae), Labcorp
Classification: Uncertain significance for Arrhythmogenic right ventricular dysplasia 11. Last evaluated: 2025-12-08. Review status: criteria provided, single submitter. Criteria: Invitae Variant Classification Sherloc (09022015). Collection method: clinical testing. Allele origin: germline.
Comment: This sequence change replaces isoleucine, which is neutral and non-polar, with methionine, which is neutral and non-polar, at codon 109 of the DSC2 protein (p.Ile109Met). This variant is present in population databases (rs373305929, gnomAD 0.005%). This missense change has been observed in individual(s) with Brugada syndrome and arrhythmogenic right ventricular cardiomyopathy, as well as unaffected individuals (PMID: 21822014, 26220970). ClinVar contains an entry for this variant (Variation ID: 46190). Invitae Evidence Modeling of protein sequence and biophysical properties (such as structural, functional, and spatial information, amino acid conservation, physicochemical variation, residue mobility, and thermodynamic stability) indicates that this missense variant is not expected to disrupt DSC2 protein function with a negative predictive value of 80%. In summary, the available evidence is currently insufficient to determine the role of this variant in disease. Therefore, it has been classified as a Variant of Uncertain Significance.

Color Diagnostics, LLC DBA Color Health
Classification: Likely benign for Cardiomyopathy. Last evaluated: 2025-03-24. Review status: criteria provided, single submitter. Criteria: ACMG Guidelines, 2015. Collection method: clinical testing. Allele origin: germline.

GeneDx
Classification: Uncertain significance. Last evaluated: 2025-03-03. Review status: criteria provided, single submitter. Criteria: GeneDx Variant Classification Process June 2021. Collection method: clinical testing. Allele origin: germline. Affected: yes.
Comment: Reported in a father and son who both had ARVD/C; however, they both also harbored a pathogenic splice site variant in the PKP2 gene and additional segregation studies in other relatives were not described (PMID: 21822014); Identified in a patient with Brugada syndrome who harbored additional cardiogenetic variants (PMID: 26220970); In silico analysis indicates that this missense variant does not alter protein structure/function; This variant is associated with the following publications: (PMID: 21822014, 26220970, 23299917)

Women's Health and Genetics/Laboratory Corporation of America, LabCorp
Classification: Uncertain significance. Last evaluated: 2025-02-10. Review status: criteria provided, single submitter. Criteria: LabCorp Variant Classification Summary - May 2015. Collection method: clinical testing. Allele origin: germline.
Comment: Variant summary: DSC2 c.327A>G (p.Ile109Met) results in a conservative amino acid change located in the Cadherin prodomain of the encoded protein sequence. Four of five in-silico tools predict a benign effect of the variant on protein function. The variant allele was found at a frequency of 3.6e-05 in 250756 control chromosomes. The available data on variant occurrences in the general population are insufficient to allow any conclusion about variant significance. c.327A>G has been reported in the literature in individuals affected with Arrhythmogenic Right Ventricular Dysplasia or Brugada syndrome (Palmisano_2011, DiResta_2015). These reports do not provide unequivocal conclusions about association of the variant with Arrhythmogenic Right Ventricular Dysplasia/Cardiomyopathy. Co-occurrence with a pathogenic variant has been reported (PKP2 c.2489+1G>A), providing supporting evidence for a benign role. To our knowledge, no experimental evidence demonstrating an impact on protein function has been reported. The following publications have been ascertained in the context of this evaluation (PMID: 26220970, 21822014). ClinVar contains an entry for this variant (Variation ID: 46190). Based on the evidence outlined above, the variant was classified as uncertain significance.

Blueprint Genetics
Classification: Likely benign. Last evaluated: 2024-08-06. Review status: criteria provided, single submitter. Criteria: ACMG Guidelines, 2015. Collection method: clinical testing. Allele origin: germline.

All of Us Research Program, National Institutes of Health
Classification: Uncertain significance for Familial isolated arrhythmogenic right ventricular dysplasia. Last evaluated: 2024-05-14. Review status: criteria provided, single submitter. Criteria: ACMG Guidelines, 2015. Collection method: clinical testing. Allele origin: germline. Inheritance: Autosomal dominant inheritance. Observed: 16 variant alleles, 16 heterozygotes.
Comment: This missense variant replaces isoleucine with methionine at codon 109 of the DSC2 protein. Computational prediction suggests that this variant may not impact protein structure and function (internally defined REVEL score threshold <= 0.5, PMID: 27666373). To our knowledge, functional studies have not been performed for this variant. This variant has been observed in an individual with arrhythmogenic right ventricular cardiomyopathy, as well as in the affected father (PMID: 21822014). However, these individuals also carried a pathogenic splice variant in PKP2, suggesting that this missense variant may not be the primary cause of disease in this family. This variant has been identified in 9/250756 chromosomes in the general population by the Genome Aggregation Database (gnomAD). The available evidence is insufficient to determine the role of this variant in disease conclusively. Therefore, this variant is classified as a Variant of Uncertain Significance.

This study involves interpretation of variants in research participants for the purpose of population health screening. Participant phenotype was not available at the time of variant classification. Additional details can be found in publication PMID: 35346344, PMCID: PMC8962531

Ambry Genetics
Classification: Likely benign for Cardiovascular phenotype. Last evaluated: 2022-02-23. Review status: criteria provided, single submitter. Criteria: Ambry Variant Classification Scheme 2023. Collection method: clinical testing. Allele origin: germline.

Department of Pathology and Laboratory Medicine, Sinai Health System
Classification: Uncertain significance for Arrhythmogenic right ventricular dysplasia 11. Last evaluated: 2021-11-16. Review status: criteria provided, single submitter. Criteria: ACMG Guidelines, 2015. Collection method: research. Allele origin: germline.

CHEO Genetics Diagnostic Laboratory, Children's Hospital of Eastern Ontario
Classification: Uncertain significance for Cardiomyopathy. Last evaluated: 2021-10-19. Review status: criteria provided, single submitter. Criteria: ACMG Guidelines, 2015. Collection method: clinical testing. Allele origin: germline.

Illumina Laboratory Services, Illumina
Classification: Uncertain significance for Arrhythmogenic right ventricular dysplasia 11. Last evaluated: 2017-04-27. Review status: criteria provided, single submitter. Criteria: ICSL Variant Classification Criteria 13 December 2019. Collection method: clinical testing. Allele origin: germline.
Comment: This variant was observed as part of a predisposition screen in an ostensibly healthy population. A literature search was performed for the gene, cDNA change, and amino acid change (where applicable). Publications were found based on this search. However, the evidence from the literature, in combination with allele frequency data from public databases where available, was not sufficient to rule this variant in or out of causing disease. Therefore, this variant is classified as a variant of unknown significance.

Laboratory for Molecular Medicine, Mass General Brigham Personalized Medicine
Classification: Likely benign. Last evaluated: 2017-01-20. Review status: criteria provided, single submitter. Criteria: LMM Criteria. Collection method: clinical testing. Allele origin: germline. Observed: 3 variant alleles.
Comment: p.Ile109Met in exon 3 of DSC2: This variant is not expected to have clinical sig nificance due to a lack of conservation across species, including mammals. Of no te, 5 mammals (Alpaca, Horse, Bat, Microbat and Elephant) have a methionine (Met ) at this position. This p.Ile109Met has also been reported in ClinVar (Variation ID:46190). Final ly, it has also been identified in 1/16454 South Asian chromosomes by the Exome Aggregation Consortium (ExAC; dbSNP rs373305929) .

Literature cited by the submitters: PubMed 21822014 (cited by 4 submitters); PubMed 26220970 (cited by Labcorp Genetics (formerly Invitae), Labcorp and Women's Health and Genetics/Laboratory Corporation of America, LabCorp).

NM_024422.6(DSC2):c.327A>G (p.Ile109Met)

Gene: DSC2 (desmocollin 2; minus strand). Cytogenetic location: 18q12.1.
Variant type: single nucleotide variant.
Coding change: c.327A>G on transcript NM_024422.6 (MANE Select); coding-DNA position 327, A replaced by G.
Protein change: p.Ile109Met; replaces isoleucine 109 with methionine.
Molecular consequence: missense variant.
Genome position (GRCh38, 1-based): chr18:31,092,128, T>C on the plus strand (A>G on the coding strand, the complement: DSC2 is on the minus strand). VCF-style: chr18-31092128-T-C. GRCh37 (hg19) VCF-style: chr18-28672091-T-C.
Other names: p.I109M:ATA>ATG; c.327A>G, p.Ile109Met (NM_004949.5); short protein forms I109M.
Identifiers: ClinVar variation 46190 (VCV000046190.34), dbSNP rs373305929, ClinGen allele CA022791.